The following is an entry in ClinVar:

ClinVar aggregate classification (germline): not provided (0 of 4 stars; one submission).

Conditions:
Brown-Vialetto-van Laere syndrome 1. Also called: BROWN-VIALETTO-VAN LAERE SYNDROME 1, MILD; BULBAR PALSY, PROGRESSIVE, WITH SENSORINEURAL DEAFNESS; PONTOBULBAR PALSY WITH DEAFNESS. Identifiers: Orphanet 572550, Orphanet 97229, MedGen C0796274, MONDO:0024537, OMIM 211530.

Submission:

GeneReviews
No classification provided. Condition: Brown-Vialetto-van Laere syndrome 1. Review status: no classification provided. Collection method: literature only. Allele origin: germline.
Comment: Preliminary data suggest that some persons heterozygous for this variant may manifest RTD in the absence of circumstances that cause riboflavin depletion, but this hypothesis requires further investigation

Literature cited by the submitters: PubMed 33189404.

NM_033409.4(SLC52A3):c.986A>G (p.Tyr329Cys)

Gene: SLC52A3 (solute carrier family 52 member 3; minus strand). Cytogenetic location: 20p13.
Variant type: single nucleotide variant.
Coding change: c.986A>G on transcript NM_033409.4 (MANE Select); coding-DNA position 986, A replaced by G.
Protein change: p.Tyr329Cys; replaces tyrosine 329 with cysteine.
Molecular consequence: missense variant.
Genome position (GRCh38, 1-based): chr20:763,585, T>C on the plus strand (A>G on the coding strand, the complement: SLC52A3 is on the minus strand). VCF-style: chr20-763585-T-C. GRCh37 (hg19) VCF-style: chr20-744229-T-C.
Other names: c.986A>G, p.Tyr329Cys (NM_001370085.1, NM_001370086.1); short protein forms Y329C.
Identifiers: ClinVar variation 1315574 (VCV001315574.2), dbSNP rs2122516296, ClinGen allele CA407962689.